The following is an entry in ClinVar:

ClinVar aggregate classification (germline): Pathogenic (1 of 4 stars; one submission).

Conditions:
Hereditary cancer-predisposing syndrome. Also called: Hereditary Cancer Syndrome; Tumor predisposition; Hereditary neoplastic syndrome; Neoplastic Syndromes, Hereditary. Identifiers: Orphanet 140162, MedGen C0027672, MeSH D009386, MONDO:0015356.

Submission:

Ambry Genetics
Classification: Pathogenic for Hereditary cancer-predisposing syndrome. Last evaluated: 2024-03-26. Review status: criteria provided, single submitter. Criteria: Ambry Variant Classification Scheme 2023. Collection method: clinical testing. Allele origin: germline.
Comment: The p.E880* pathogenic mutation (also known as c.2638G>T), located in coding exon 9 of the BRCA1 gene, results from a G to T substitution at nucleotide position 2638. This changes the amino acid from a glutamic acid to a stop codon within coding exon 9. This alteration is expected to result in loss of function by premature protein truncation or nonsense-mediated mRNA decay. As such, this alteration is interpreted as a disease-causing mutation.

NM_007294.4(BRCA1):c.2638G>T (p.Glu880Ter)

Gene: BRCA1 (BRCA1 DNA repair associated; minus strand). Cytogenetic location: 17q21.31.
Variant type: single nucleotide variant.
Coding change: c.2638G>T on transcript NM_007294.4 (MANE Select); coding-DNA position 2638, G replaced by T.
Protein change: p.Glu880Ter; replaces glutamic acid 880 with a stop codon.
Molecular consequence: nonsense. On other transcripts: intron variant (137).
Genome position (GRCh38, 1-based): chr17:43,092,893, C>A on the plus strand (G>T on the coding strand, the complement: BRCA1 is on the minus strand). VCF-style: chr17-43092893-C-A. GRCh37 (hg19) VCF-style: chr17-41244910-C-A.
Other names: c.2494G>T, p.Glu832Ter (NM_001407748.1, NM_001407749.1, NM_001407838.1 and 20 more transcripts); c.2497G>T, p.Glu833Ter (NM_001407750.1, NM_001407751.1, NM_001407752.1 and 29 more transcripts); c.2425G>T, p.Glu809Ter (NM_001407853.1, NM_001407894.1, NM_001407895.1 and 9 more transcripts); c.2638G>T, p.Glu880Ter (NM_001407854.1, NM_001407858.1, NM_001407859.1 and 30 more transcripts); c.2635G>T, p.Glu879Ter (NM_001407860.1, NM_001407861.1, NM_001407587.1 and 22 more transcripts); c.2437G>T, p.Glu813Ter (NM_001407862.1); c.2515G>T, p.Glu839Ter (NM_001407863.1, NM_001407919.1, NM_001407937.1 and 19 more transcripts); c.2434G>T, p.Glu812Ter (NM_001407874.1, NM_001407875.1); and 41 more; short protein forms E753*, E791*, E838*, E839*, E853*, E712*, E809*, E810*.
Identifiers: ClinVar variation 3261455 (VCV003261455.1).
Genomic context (GRCh38, chr17:43,092,893, plus strand): 5'-TGACTTTTGGACTTTGTTTCTTTAAGGACCCAGAGTGGGCAGAGAATGTTGCACATTCCT[C>A]TTCTGCATTTCCTGGATTTGAAAACGGAGCAAATGACTGGCGCTTTGAAACCTTGAATGT-3'